The following is an entry in ClinVar:

NM_177924.5(ASAH1):c.592G>A (p.Val198Ile)

Gene: ASAH1 (N-acylsphingosine amidohydrolase 1; minus strand). Cytogenetic location: 8p22.
Variant type: single nucleotide variant.
Coding change: c.592G>A on transcript NM_177924.5 (MANE Select); coding-DNA position 592, G replaced by A.
Protein change: p.Val198Ile; replaces valine 198 with isoleucine.
Molecular consequence: missense variant.
Genome position (GRCh38, 1-based): chr8:18,062,335, C>T on the plus strand (G>A on the coding strand, the complement: ASAH1 is on the minus strand). VCF-style: chr8-18062335-C-T. GRCh37 (hg19) VCF-style: chr8-17919844-C-T.
Other names: c.574G>A, p.Val192Ile (NM_001127505.3); c.397G>A, p.Val133Ile (NM_001363743.2); c.640G>A, p.Val214Ile (NM_004315.6); c.640G>A (NM_004315.5); short protein forms V198I, V214I, V133I, V192I.
Identifiers: ClinVar variation 638370 (VCV000638370.47), dbSNP rs151320126, ClinGen allele CA4650774.

ClinVar aggregate classification (germline): Uncertain significance. Review status: criteria provided, multiple submitters, no conflicts (2 of 4 stars). 6 submissions from 6 submitters: Uncertain significance (6). Last evaluated 2024-09-27.

Conditions:
Farber lipogranulomatosis (FRBRL). Also called: Farber's lipogranulomatosis; AC DEFICIENCY; ACID CERAMIDASE DEFICIENCY; CERAMIDASE DEFICIENCY; N-LAURYLSPHINGOSINE DEACYLASE DEFICIENCY; Farber's disease. Identifiers: Orphanet 333, MedGen C0268255, MONDO:0009218, OMIM 228000.
Spinal muscular atrophy-progressive myoclonic epilepsy syndrome. Also called: MYOCLONUS, HEREDITARY, WITH PROGRESSIVE DISTAL MUSCULAR ATROPHY; Hereditary myoclonus and progressive distal muscular atrophy; Spinal muscular atrophy with progressive myoclonic epilepsy; Spinal Muscular Atrophy with Progressive Myoclonic Epilepsy (SMA-PME). Identifiers: Orphanet 2590, MedGen C1834569, MONDO:0008045, OMIM 159950.

Allele frequency attached by ClinVar (database versions not stated): TOPMed 0.00012; ESP Exome Variant Server 0.00015; 1000 Genomes Project 30x 0.00047; 1000 Genomes Project 0.00060.

Submissions (6):

Athena Diagnostics
Classification: Uncertain significance. Last evaluated: 2024-09-27. Review status: criteria provided, single submitter. Criteria: Athena Diagnostics Criteria. Collection method: clinical testing. Allele origin: unknown.
Comment: Available data are insufficient to determine the clinical significance of the variant at this time. The frequency of this variant in the general population is higher than would generally be expected for pathogenic variants in this gene. Polyphen and MutationTaster predict this amino acid change may be benign.

Labcorp Genetics (formerly Invitae), Labcorp
Classification: Uncertain significance. Last evaluated: 2022-10-04. Review status: criteria provided, single submitter. Criteria: Invitae Variant Classification Sherloc (09022015). Collection method: clinical testing. Allele origin: germline.
Comment: This sequence change replaces valine, which is neutral and non-polar, with isoleucine, which is neutral and non-polar, at codon 198 of the ASAH1 protein (p.Val198Ile). This variant is present in population databases (rs151320126, gnomAD 0.06%). This variant has not been reported in the literature in individuals affected with ASAH1-related conditions. ClinVar contains an entry for this variant (Variation ID: 638370). Advanced modeling of protein sequence and biophysical properties (such as structural, functional, and spatial information, amino acid conservation, physicochemical variation, residue mobility, and thermodynamic stability) performed at Invitae indicates that this missense variant is not expected to disrupt ASAH1 protein function. In summary, the available evidence is currently insufficient to determine the role of this variant in disease. Therefore, it has been classified as a Variant of Uncertain Significance.

CeGaT Center for Human Genetics Tuebingen
Classification: Uncertain significance. Last evaluated: 2021-07-01. Review status: criteria provided, single submitter. Criteria: CeGaT Center For Human Genetics Tuebingen Variant Classification Criteria Version 2. Collection method: clinical testing. Allele origin: germline. Affected: yes. Observed: 1 variant allele.

Kariminejad - Najmabadi Pathology & Genetics Center
Classification: Uncertain significance for Spinal muscular atrophy-progressive myoclonic epilepsy syndrome. Last evaluated: 2021-06-19. Review status: criteria provided, single submitter. Criteria: ACMG Guidelines, 2015. Collection method: clinical testing. Allele origin: germline. Inheritance: Autosomal recessive inheritance. Affected: yes.
Comment: PVS1, PM2

Genomic Research Center, Shahid Beheshti University of Medical Sciences
Classification: Uncertain significance for Farber disease. Last evaluated: 2019-04-27. Review status: criteria provided, single submitter. Criteria: ACMG Guidelines, 2015. Collection method: clinical testing. Allele origin: unknown. Affected: no.

Illumina Laboratory Services, Illumina
Classification: Uncertain significance for Farber lipogranulomatosis. Last evaluated: 2018-01-13. Review status: criteria provided, single submitter. Criteria: ICSL Variant Classification Criteria 13 December 2019. Collection method: clinical testing. Allele origin: germline.